The following is an entry in ClinVar:

ClinVar aggregate classification (germline): Conflicting classifications of pathogenicity. Review status: criteria provided, conflicting classifications (1 of 4 stars). 10 submissions from 10 submitters: Uncertain significance (1); Benign (3); Likely benign (1). 5 of the submissions do not count toward it. Last evaluated 2026-01-25.

Conditions:
HCCS-related disorder. Also called: HCCS-related condition.
Inborn genetic diseases. Identifiers: MedGen C0950123, MeSH D030342.
Intellectual disability. Also called: Intellectual functioning disability; Intellectual developmental disorder; intellectual disabilities. Identifiers: MedGen C3714756, MeSH D008607, MONDO:0001071, HP:0001249.

Allele frequency attached by ClinVar (database versions not stated): TOPMed 0.00113; gnomAD 0.00117 and 0.00118; gnomAD exomes 0.00131 and 0.00219; ExAC 0.00141; ESP Exome Variant Server 0.00218.

Submissions (10):

Labcorp Genetics (formerly Invitae), Labcorp
Classification: Benign. Last evaluated: 2026-01-25. Review status: criteria provided, single submitter. Criteria: Invitae Variant Classification Sherloc (09022015). Collection method: clinical testing. Allele origin: germline.

Blueprint Genetics
Classification: Likely benign. Last evaluated: 2024-11-17. Review status: criteria provided, single submitter. Criteria: ACMG Guidelines, 2015. Collection method: clinical testing. Allele origin: germline.

Ambry Genetics
Classification: Benign for Inborn genetic diseases. Last evaluated: 2019-09-06. Review status: criteria provided, single submitter. Criteria: Ambry Variant Classification Scheme 2023. Collection method: clinical testing. Allele origin: germline.

Eurofins Ntd Llc (ga)
Classification: Benign. Last evaluated: 2015-12-10. Review status: criteria provided, single submitter. Criteria: EGL Classification Definitions 2015. Collection method: clinical testing. Allele origin: germline. Observed: 1 variant allele, 1 heterozygote.

Genetic Services Laboratory, University of Chicago
Classification: Uncertain significance. Last evaluated: 2013-11-14. Review status: criteria provided, single submitter. Criteria: ACMG Guidelines, 2007. Collection method: clinical testing. Allele origin: germline. Inheritance: X-linked inheritance.

PreventionGenetics, part of Exact Sciences
Classification: Likely benign for HCCS-related condition. Last evaluated: 2022-08-10. Review status: no assertion criteria provided. Collection method: clinical testing. Allele origin: germline. Not counted in ClinVar's aggregate classification.
Comment: This variant is classified as likely benign based on ACMG/AMP sequence variant interpretation guidelines (Richards et al. 2015 PMID: 25741868, with internal and published modifications).

Centre de Biologie Pathologie Génétique, Centre Hospitalier Universitaire de Lille
Classification: Benign for Intellectual disability. Last evaluated: 2019-01-01. Review status: no assertion criteria provided. Collection method: clinical testing. Allele origin: inherited. Affected: yes. Not counted in ClinVar's aggregate classification.

Clinical Genetics DNA and cytogenetics Diagnostics Lab, Erasmus MC, Erasmus Medical Center
Classification: Benign. Review status: no assertion criteria provided. Collection method: clinical testing. Allele origin: germline. Affected: yes. Study: VKGL Data-share Consensus. Not counted in ClinVar's aggregate classification.

Clinical Genetics, Academic Medical Center
Classification: Benign. Review status: no assertion criteria provided. Collection method: clinical testing. Allele origin: germline. Affected: yes. Study: VKGL Data-share Consensus. Not counted in ClinVar's aggregate classification.

Laboratory of Diagnostic Genome Analysis, Leiden University Medical Center (LUMC)
Classification: Likely benign. Review status: no assertion criteria provided. Collection method: clinical testing. Allele origin: germline. Affected: yes. Study: VKGL Data-share Consensus. Not counted in ClinVar's aggregate classification.

NM_005333.5(HCCS):c.5G>A (p.Gly2Asp)

Gene: HCCS (holocytochrome c synthase; plus strand). Cytogenetic location: Xp22.2.
Variant type: single nucleotide variant.
Coding change: c.5G>A on transcript NM_005333.5 (MANE Select); coding-DNA position 5, G replaced by A.
Protein change: p.Gly2Asp; replaces glycine 2 with aspartic acid.
Molecular consequence: missense variant.
Genome position (GRCh38, 1-based): chrX:11,112,065, G>A. VCF-style: chrX-11112065-G-A. GRCh37 (hg19) VCF-style: chrX-11130185-G-A.
Other names: c.5G>A, p.Gly2Asp (NM_001122608.3, NM_001171991.3); short protein forms G2D.
Identifiers: ClinVar variation 129217 (VCV000129217.29), dbSNP rs144641429, ClinGen allele CA231155.
Genomic context (GRCh38, chrX:11,112,065, plus strand): 5'-CTTTGTTTTGGCAGGTGGAAATTTAAAATTGTTTACAGTCAACACTGTTTCCAGCCATGG[G>A]TTTGTCTCCATCTGCTCCTGCTGTTGCAGTTCAGGCCTCAAATGCTTCAGCGTCCCCACC-3'
Protein context (NP_005324.3, residues 1-12): M[Gly2Asp]LSPSAPAVAV